The following is an entry in ClinVar:

ClinVar aggregate classification (germline): Uncertain significance. Review status: criteria provided, multiple submitters, no conflicts (2 of 4 stars). 2 submissions from 2 submitters: Uncertain significance (2). Last evaluated 2024-04-27.

Conditions:
Cardiovascular phenotype. Identifiers: MedGen CN230736.

Submissions (2):

Ambry Genetics
Classification: Uncertain significance for Cardiovascular phenotype. Last evaluated: 2024-04-27. Review status: criteria provided, single submitter. Criteria: Ambry Variant Classification Scheme 2023. Collection method: clinical testing. Allele origin: germline.
Comment: The p.T1240M variant (also known as c.3719C>T), located in coding exon 8 of the TNXB gene, results from a C to T substitution at nucleotide position 3719. The threonine at codon 1240 is replaced by methionine, an amino acid with similar properties. This amino acid position is conserved. In addition, this alteration is predicted to be tolerated by in silico analysis. Based on the available evidence, the clinical significance of this variant remains unclear.

GeneDx
Classification: Uncertain significance. Last evaluated: 2024-04-24. Review status: criteria provided, single submitter. Criteria: GeneDx Variant Classification Process June 2021. Collection method: clinical testing. Allele origin: germline. Affected: yes.
Comment: Has not been previously published as pathogenic or benign to our knowledge; Not observed at significant frequency in large population cohorts (gnomAD); In silico analysis supports that this missense variant has a deleterious effect on protein structure/function

NM_001365276.2(TNXB):c.3719C>T (p.Thr1240Met)

Gene: TNXB (tenascin XB; minus strand). Cytogenetic location: 6p21.33.
Variant type: single nucleotide variant.
Coding change: c.3719C>T on transcript NM_001365276.2 (MANE Select); coding-DNA position 3719, C replaced by T.
Protein change: p.Thr1240Met; replaces threonine 1240 with methionine.
Molecular consequence: missense variant.
Genome position (GRCh38, 1-based): chr6:32,082,053, G>A on the plus strand (C>T on the coding strand, the complement: TNXB is on the minus strand). VCF-style: chr6-32082053-G-A. GRCh37 (hg19) VCF-style: chr6-32049830-G-A.
Other names: c.3719C>T, p.Thr1240Met (NM_019105.8); short protein forms T1240M.
Identifiers: ClinVar variation 3327897 (VCV003327897.2).